The following is an entry in ClinVar:

NM_153676.4(USH1C):c.502G>C (p.Gly168Arg)

Gene: USH1C (USH1 protein network component harmonin; minus strand). Cytogenetic location: 11p15.1.
Variant type: single nucleotide variant.
Coding change: c.502G>C on transcript NM_153676.4 (MANE Select); coding-DNA position 502, G replaced by C.
Protein change: p.Gly168Arg; replaces glycine 168 with arginine.
Molecular consequence: missense variant. On other transcripts: non-coding transcript variant (1).
Genome position (GRCh38, 1-based): chr11:17,527,035, C>G on the plus strand (G>C on the coding strand, the complement: USH1C is on the minus strand). VCF-style: chr11-17527035-C-G. GRCh37 (hg19) VCF-style: chr11-17548582-C-G.
Other names: c.502G>C, p.Gly168Arg (NM_001297764.2, NM_005709.4); short protein forms G168R.
Identifiers: ClinVar variation 1965467 (VCV001965467.3), dbSNP rs1032568806, ClinGen allele CA379794944.

ClinVar aggregate classification (germline): Uncertain significance (1 of 4 stars; one submission).

Submission:

Labcorp Genetics (formerly Invitae), Labcorp
Classification: Uncertain significance. Last evaluated: 2022-10-19. Review status: criteria provided, single submitter. Criteria: Invitae Variant Classification Sherloc (09022015). Collection method: clinical testing. Allele origin: germline.
Comment: In summary, the available evidence is currently insufficient to determine the role of this variant in disease. Therefore, it has been classified as a Variant of Uncertain Significance. Algorithms developed to predict the effect of missense changes on protein structure and function (SIFT, PolyPhen-2, Align-GVGD) all suggest that this variant is likely to be disruptive. This variant has not been reported in the literature in individuals affected with USH1C-related conditions. This variant is not present in population databases (gnomAD no frequency). This sequence change replaces glycine, which is neutral and non-polar, with arginine, which is basic and polar, at codon 168 of the USH1C protein (p.Gly168Arg).